The following is an entry in ClinVar:

ClinVar aggregate classification (germline): Uncertain significance. Review status: criteria provided, multiple submitters, no conflicts (2 of 4 stars). 2 submissions from 2 submitters: Uncertain significance (2). Last evaluated 2025-10-07.

Conditions:
Dilated cardiomyopathy 1JJ (CMD1JJ). Identifiers: Orphanet 154, MedGen C3808935, MONDO:0014095, OMIM 615235.
Cardiovascular phenotype. Identifiers: MedGen CN230736.

Allele frequency attached by ClinVar (database versions not stated): TOPMed below 0.00001.
gnomAD v4.1: 6 of 1,613,732 alleles (0.00037%); highest among the groups gnomAD compares: Non-Finnish European, 0.00051%; no homozygotes.

Submissions (2):

Labcorp Genetics (formerly Invitae), Labcorp
Classification: Uncertain significance for Dilated cardiomyopathy 1JJ. Last evaluated: 2025-10-07. Review status: criteria provided, single submitter. Criteria: Invitae Variant Classification Sherloc (09022015). Collection method: clinical testing. Allele origin: germline.
Comment: This sequence change replaces leucine, which is neutral and non-polar, with valine, which is neutral and non-polar, at codon 489 of the LAMA4 protein (p.Leu489Val). This variant is present in population databases (no rsID available, gnomAD 0.002%). This variant has not been reported in the literature in individuals affected with LAMA4-related conditions. ClinVar contains an entry for this variant (Variation ID: 1773236). Invitae Evidence Modeling of protein sequence and biophysical properties (such as structural, functional, and spatial information, amino acid conservation, physicochemical variation, residue mobility, and thermodynamic stability) indicates that this missense variant is not expected to disrupt LAMA4 protein function with a negative predictive value of 80%. In summary, the available evidence is currently insufficient to determine the role of this variant in disease. Therefore, it has been classified as a Variant of Uncertain Significance.

Ambry Genetics
Classification: Uncertain significance for Cardiovascular phenotype. Last evaluated: 2025-06-09. Review status: criteria provided, single submitter. Criteria: Ambry Variant Classification Scheme 2023. Collection method: clinical testing. Allele origin: germline.
Comment: The p.L489V variant (also known as c.1465C>G), located in coding exon 11 of the LAMA4 gene, results from a C to G substitution at nucleotide position 1465. The leucine at codon 489 is replaced by valine, an amino acid with highly similar properties. This amino acid position is conserved. In addition, this alteration is predicted to be tolerated by in silico analysis. Since supporting evidence is limited at this time, the clinical significance of this alteration remains unclear.

NM_001105206.3(LAMA4):c.1486C>G (p.Leu496Val)

Gene: LAMA4 (laminin subunit alpha 4; minus strand). Cytogenetic location: 6q21.
Variant type: single nucleotide variant.
Coding change: c.1486C>G on transcript NM_001105206.3 (MANE Select); coding-DNA position 1486, C replaced by G.
Protein change: p.Leu496Val; replaces leucine 496 with valine.
Molecular consequence: missense variant.
Genome position (GRCh38, 1-based): chr6:112,172,676, G>C on the plus strand (C>G on the coding strand, the complement: LAMA4 is on the minus strand). VCF-style: chr6-112172676-G-C. GRCh37 (hg19) VCF-style: chr6-112493878-G-C.
Other names: c.1465C>G, p.Leu489Val (NM_001105207.3, NM_002290.5); short protein forms L489V, L496V.
Identifiers: ClinVar variation 1773236 (VCV001773236.4), dbSNP rs1332788334, ClinGen allele CA365370620.